The following is an entry in ClinVar:

NM_001006658.3(CR2):c.1468G>C (p.Asp490His)

Gene: CR2 (complement C3d receptor 2; plus strand). Cytogenetic location: 1q32.2.
Variant type: single nucleotide variant.
Coding change: c.1468G>C on transcript NM_001006658.3 (MANE Select); coding-DNA position 1468, G replaced by C.
Protein change: p.Asp490His; replaces aspartic acid 490 with histidine.
Molecular consequence: missense variant.
Genome position (GRCh38, 1-based): chr1:207,471,062, G>C. VCF-style: chr1-207471062-G-C. GRCh37 (hg19) VCF-style: chr1-207644407-G-C.
Other names: c.1468G>C, p.Asp490His (NM_001877.5); c.1468G>C (NM_001006658.2); short protein forms D490H.
Identifiers: ClinVar variation 1484649 (VCV001484649.8), dbSNP rs143872741, ClinGen allele CA1368723.

ClinVar aggregate classification (germline): Uncertain significance. Review status: criteria provided, multiple submitters, no conflicts (2 of 4 stars). 3 submissions from 3 submitters: Uncertain significance (3). Last evaluated 2025-08-23.

Conditions:
Immunodeficiency, common variable, 7. Identifiers: Orphanet 1572, Orphanet 696894, MedGen C3542922, MONDO:0013862, OMIM 614699.
Inborn genetic diseases. Identifiers: MedGen C0950123, MeSH D030342.

Allele frequency attached by ClinVar (database versions not stated): gnomAD exomes 0.00002; ExAC 0.00003; ESP Exome Variant Server 0.00008.
gnomAD v4.1: 8 of 1,613,692 alleles (0.0005%); highest among the groups gnomAD compares: Non-Finnish European, 0.00051%; no homozygotes.

Submissions (3):

Ambry Genetics
Classification: Uncertain significance for Inborn genetic diseases. Last evaluated: 2025-08-23. Review status: criteria provided, single submitter. Criteria: Ambry Variant Classification Scheme 2023. Collection method: clinical testing. Allele origin: germline.

Genome-Nilou Lab
Classification: Uncertain significance for Immunodeficiency, common variable, 7. Last evaluated: 2023-04-11. Review status: criteria provided, single submitter. Criteria: ACMG Guidelines, 2015. Collection method: clinical testing. Allele origin: germline. Affected: no.

Labcorp Genetics (formerly Invitae), Labcorp
Classification: Uncertain significance for Immunodeficiency, common variable, 7. Last evaluated: 2022-06-02. Review status: criteria provided, single submitter. Criteria: Invitae Variant Classification Sherloc (09022015). Collection method: clinical testing. Allele origin: germline.
Comment: This sequence change replaces aspartic acid, which is acidic and polar, with histidine, which is basic and polar, at codon 490 of the CR2 protein (p.Asp490His). This variant is present in population databases (rs143872741, gnomAD 0.004%). This variant has not been reported in the literature in individuals affected with CR2-related conditions. ClinVar contains an entry for this variant (Variation ID: 1484649). Algorithms developed to predict the effect of missense changes on protein structure and function output the following: SIFT: "Tolerated"; PolyPhen-2: "Probably Damaging"; Align-GVGD: "Class C0". The histidine amino acid residue is found in multiple mammalian species, which suggests that this missense change does not adversely affect protein function. In summary, the available evidence is currently insufficient to determine the role of this variant in disease. Therefore, it has been classified as a Variant of Uncertain Significance.